The following is an entry in ClinVar:

NM_058216.3(RAD51C):c.845T>G (p.Leu282Ter)

Gene: RAD51C (RAD51 paralog C; plus strand). Cytogenetic location: 17q22.
Variant type: single nucleotide variant.
Coding change: c.845T>G on transcript NM_058216.3 (MANE Select); coding-DNA position 845, T replaced by G.
Protein change: p.Leu282Ter; replaces leucine 282 with a stop codon.
Molecular consequence: nonsense. On other transcripts: non-coding transcript variant (1).
Genome position (GRCh38, 1-based): chr17:58,720,753, T>G. VCF-style: chr17-58720753-T-G. GRCh37 (hg19) VCF-style: chr17-56798114-T-G.
Other names: c.*273T>G (NM_058217.1); short protein forms L282*.
Identifiers: ClinVar variation 3148145 (VCV003148145.1), dbSNP rs2509336795, ClinGen allele CA400359353.

ClinVar aggregate classification (germline): Pathogenic (1 of 4 stars; one submission).

Conditions:
Breast-ovarian cancer, familial, susceptibility to, 3. Also called: RAD51C-Related Breast/Ovarian Cancer. Identifiers: Orphanet 145, MedGen C3150659, MONDO:0013253, OMIM 613399.

Submission:

Myriad Genetics, Inc.
Classification: Pathogenic for Breast-ovarian cancer, familial, susceptibility to, 3. Last evaluated: 2024-01-03. Review status: criteria provided, single submitter. Criteria: Myriad Autosomal Dominant, Autosomal Recessive and X-Linked Classification Criteria (2023). Collection method: clinical testing. Allele origin: unknown.
Comment: This variant is considered pathogenic. This variant creates a termination codon and is predicted to result in premature protein truncation.